The following is an entry in ClinVar:

ClinVar aggregate classification (germline): not provided (0 of 4 stars; one submission).

Submission:

Human Evolutionary Genetics, Institut Pasteur
No classification provided. Review status: no classification provided. Collection method: not provided. Allele origin: germline.
ClinVar note: Converted during submission from untested to not provided.

NM_017852.5(NLRP2):c.2870_2871del (p.Arg957fs)

Gene: NLRP2 (NLR family pyrin domain containing 2; plus strand). Cytogenetic location: 19q13.42.
Variant type: Microsatellite.
Coding change: c.2870_2871del on transcript NM_017852.5 (MANE Select); coding-DNA positions 2870 to 2871, 2 bases deleted (GA; older notation c.2870_2871delGA).
Protein change: p.Arg957fs; shifts the reading frame from arginine 957.
Molecular consequence: frameshift variant. On other transcripts: non-coding transcript variant (1).
Genome position (GRCh38, 1-based): chr19:54,994,430-54,994,431, GA deleted; deleting any 2 consecutive bases within chr19:54,994,428-54,994,431 gives the same sequence; the c. name uses the placement nearest the transcript's 3' end. VCF-style (leftmost placement, unchanged base first): chr19-54994427-TGA-T. GRCh37 (hg19) VCF-style: chr19-55505795-TGA-T.
Other names: c.2870_2871del, p.Arg957fs (NM_001174081.3); c.2804_2805del, p.Arg935fs (NM_001174082.3); c.2801_2802del, p.Arg934fs (NM_001174083.2); c.2861_2862del, p.Arg954fs (NM_001348003.2); short protein forms R934fs, R935fs, R957fs, R954fs.
Identifiers: ClinVar variation 103063 (VCV000103063.2), dbSNP rs199476220, ClinGen allele CA230056.